The following is an entry in ClinVar:

ClinVar aggregate classification (germline): Uncertain significance (1 of 4 stars; one submission).

Conditions:
COQ2-related disorder. Also called: COQ2-related condition.

Allele frequency attached by ClinVar (database versions not stated): gnomAD exomes below 0.00001.

Submission:

PreventionGenetics, part of Exact Sciences
Classification: Uncertain significance for COQ2-related condition. Last evaluated: 2023-09-27. Review status: criteria provided, single submitter. Criteria: ACMG Guidelines, 2015. Collection method: clinical testing. Allele origin: germline.
Comment: The COQ2 c.2T>C variant is predicted to disrupt the translation initiation site (Start loss). However, note that in the primary transcript listed in the Human Gene Mutation Database (NM_015697.9), this variant is a missense change (pMet51Thr). To our knowledge, this variant has not been reported in the literature or in a large population database, indicating this variant is rare. At this time, the clinical significance of this variant is uncertain due to the absence of conclusive functional and genetic evidence.

NM_001358921.2(COQ2):c.2T>C (p.Met1Thr)

Genes: COQ2 (coenzyme Q2, polyprenyltransferase; minus strand), LOC112997540 (Sharpr-MPRA regulatory region 13773; plus strand). Cytogenetic location: 4q21.23.
Variant type: single nucleotide variant.
Coding change: c.2T>C on transcript NM_001358921.2 (MANE Select); coding-DNA position 2, T replaced by C.
Protein change: p.Met1Thr; changes the start codon (methionine 1).
Molecular consequence: missense variant, initiator codon variant.
Genome position (GRCh38, 1-based): chr4:83,284,763, A>G on the plus strand (T>C on the coding strand, the complement: COQ2 is on the minus strand). VCF-style: chr4-83284763-A-G. GRCh37 (hg19) VCF-style: chr4-84205916-A-G.
Other names: c.152T>C, p.Met51Thr (NM_015697.9); short protein forms M1T, M51T.
Identifiers: ClinVar variation 2633919 (VCV002633919.1), dbSNP rs1477654289, ClinGen allele CA357231253.